The following is an entry in ClinVar:

NM_014946.3(SPAST):c.(?_1729)_(1851_?)del

Gene: SPAST (spastin; plus strand). Cytogenetic location: 2p22.3.
Variant type: Deletion.
Coding change: c.(?_1729)_(1851_?)del on transcript NM_014946.3; a large deletion whose breakpoints are not mapped to the base.
Other names: c.(?_1729)_(1851_?)del (LRG_714t1).
Identifiers: ClinVar variation 437841 (VCV000437841.1).

ClinVar aggregate classification (germline): Pathogenic. Review status: criteria provided, multiple submitters, no conflicts (2 of 4 stars). 2 submissions from 2 submitters: Pathogenic (2). Last evaluated 2017-11-07.

Conditions:
Hereditary spastic paraplegia 4. Also called: Spastic paraplegia 4, autosomal dominant; Familial spastic paraplegia autosomal dominant 2; Spastic Paraplegia 4. Identifiers: Orphanet 100985, MedGen C1866855, MONDO:0008438, OMIM 182601.

Submissions (2):

Molecular Diagnostics Laboratory, M Health Fairview: University of Minnesota
Classification: Pathogenic for Hereditary spastic paraplegia 4. Last evaluated: 2017-11-07. Review status: criteria provided, single submitter. Criteria: ACMG Guidelines, 2015. Collection method: clinical testing. Allele origin: germline. Affected: yes. Observed: 1 variant allele.

Labcorp Genetics (formerly Invitae), Labcorp
Classification: Pathogenic for Hereditary spastic paraplegia 4. Last evaluated: 2016-06-16. Review status: criteria provided, single submitter. Criteria: Invitae Variant Classification Sherloc (09022015). Collection method: clinical testing. Allele origin: germline.
Comment: This variant is a gross deletion of the genomic region encompassing exon 17 of the SPAST gene. The 5' boundary is likely confined to intron 16. The 3' end of this event is unknown as it extends through the termination codon beyond the assayed region for this gene and may encompass additional genes. While this deletion is not anticipated to result in nonsense mediated decay, it is expected to create a truncated SPAST protein. Subgenic deletions encompassing exon 17 fit the known pathogenic mutation spectrum, and this particular deletion has been reported to segregate with disease in two families (PMID: 17345589, 17035675, 11134375). For these reasons, this variant has been classified as Pathogenic.

Literature cited by the submitters: PubMed 21659953 (cited by Molecular Diagnostics Laboratory, M Health Fairview: University of Minnesota).